The following is an entry in ClinVar:

ClinVar aggregate classification (germline): Pathogenic (1 of 4 stars; one submission).

Submission:

Labcorp Genetics (formerly Invitae), Labcorp
Classification: Pathogenic. Last evaluated: 2022-09-19. Review status: criteria provided, single submitter. Criteria: Invitae Variant Classification Sherloc (09022015). Collection method: clinical testing. Allele origin: germline.
Comment: For these reasons, this variant has been classified as Pathogenic. This variant has not been reported in the literature in individuals affected with ADGRV1-related conditions. This variant is a gross deletion of the genomic region encompassing exon(s) 23-26 of the ADGRV1 gene. This deletion is out-of-frame, and is expected to create a premature termination codon and result in an absent or disrupted protein product. Loss-of-function variants in ADGRV1 are known to be pathogenic (PMID: 19357117, 22135276, 22147658, 26226137, 30718709, 31047384, 32467589).

Literature cited by the submitters: PubMed 19357117; PubMed 22135276; PubMed 22147658; PubMed 26226137; PubMed 30718709; PubMed 31047384; PubMed 32467589.

NC_000005.9:g.(?_89969851)_(89975466_?)del

Gene: ADGRV1 (adhesion G protein-coupled receptor V1; plus strand). Cytogenetic location: 5q14.3.
Variant type: Deletion.
Identifiers: ClinVar variation 2427013 (VCV002427013.4).